The following is an entry in ClinVar:

ClinVar aggregate classification (germline): Uncertain significance (1 of 4 stars; one submission).

Conditions:
TMEM43-related disorder. Also called: TMEM43-related condition.

Submission:

PreventionGenetics, part of Exact Sciences
Classification: Uncertain significance for TMEM43-related condition. Last evaluated: 2025-12-30. Review status: criteria provided, single submitter. Criteria: ACMG Guidelines, 2015. Collection method: clinical testing. Allele origin: germline.
Comment: The TMEM43 c.949A>G variant is predicted to result in the amino acid substitution p.Met317Val. To our knowledge, this variant has not been reported in the literature or in a large population database (gnomAD), indicating this variant is rare. At this time, the clinical significance of this variant is uncertain due to the absence of conclusive functional and genetic evidence.

NM_024334.3(TMEM43):c.949A>G (p.Met317Val)

Gene: TMEM43 (transmembrane protein 43; plus strand). Cytogenetic location: 3p25.1.
Variant type: single nucleotide variant.
Coding change: c.949A>G on transcript NM_024334.3 (MANE Select); coding-DNA position 949, A replaced by G.
Protein change: p.Met317Val; replaces methionine 317 with valine.
Molecular consequence: missense variant.
Genome position (GRCh38, 1-based): chr3:14,139,246, A>G. VCF-style: chr3-14139246-A-G. GRCh37 (hg19) VCF-style: chr3-14180746-A-G.
Other names: c.952A>G, p.Met318Val (NM_001407274.1); c.946A>G, p.Met316Val (NM_001407275.1, NM_001407276.1); c.943A>G, p.Met315Val (NM_001407277.1); c.934A>G, p.Met312Val (NM_001407278.1); c.874A>G, p.Met292Val (NM_001407279.1); c.799A>G, p.Met267Val (NM_001407280.1); short protein forms M317V, M267V, M292V, M315V, M316V, M312V, M318V.
Identifiers: ClinVar variation 4994718 (VCV004994718.1).